The following is an entry in ClinVar:

ClinVar aggregate classification (germline): Uncertain significance (1 of 4 stars; one submission).

gnomAD v4.1: 2 of 1,614,056 alleles (0.00012%); highest among the groups gnomAD compares: Non-Finnish European, 0.00017%; no homozygotes.

Submission:

Labcorp Genetics (formerly Invitae), Labcorp
Classification: Uncertain significance. Last evaluated: 2024-07-19. Review status: criteria provided, single submitter. Criteria: Invitae Variant Classification Sherloc (09022015). Collection method: clinical testing. Allele origin: germline.
Comment: This sequence change replaces lysine, which is basic and polar, with threonine, which is neutral and polar, at codon 1592 of the ALPK3 protein (p.Lys1592Thr). This variant is not present in population databases (gnomAD no frequency). This variant has not been reported in the literature in individuals affected with ALPK3-related conditions. ClinVar contains an entry for this variant (Variation ID: 1928816). Advanced modeling of protein sequence and biophysical properties (such as structural, functional, and spatial information, amino acid conservation, physicochemical variation, residue mobility, and thermodynamic stability) performed at Invitae indicates that this missense variant is expected to disrupt ALPK3 protein function with a positive predictive value of 80%. In summary, the available evidence is currently insufficient to determine the role of this variant in disease. Therefore, it has been classified as a Variant of Uncertain Significance.

NM_020778.5(ALPK3):c.4169A>C (p.Lys1390Thr)

Gene: ALPK3 (alpha kinase 3; plus strand). Cytogenetic location: 15q25.3.
Variant type: single nucleotide variant.
Coding change: c.4169A>C on transcript NM_020778.5 (MANE Select); coding-DNA position 4169, A replaced by C.
Protein change: p.Lys1390Thr; replaces lysine 1390 with threonine.
Molecular consequence: missense variant.
Genome position (GRCh38, 1-based): chr15:84,862,674, A>C. VCF-style: chr15-84862674-A-C. GRCh37 (hg19) VCF-style: chr15-85405905-A-C.
Other names: short protein forms K1390T.
Identifiers: ClinVar variation 1928816 (VCV001928816.5), dbSNP rs2505727299, ClinGen allele CA393362651.